The following is an entry in ClinVar:

NM_138694.4(PKHD1):c.4414_4418del (p.Cys1472fs)

Gene: PKHD1 (PKHD1 ciliary IPT domain containing fibrocystin/polyductin; minus strand). Cytogenetic location: 6p12.2.
Variant type: Deletion.
Coding change: c.4414_4418del on transcript NM_138694.4 (MANE Select); coding-DNA positions 4414 to 4418, 5 bases deleted (TGTCA; older notation c.4414_4418delTGTCA).
Protein change: p.Cys1472fs; shifts the reading frame from cysteine 1472.
Molecular consequence: frameshift variant.
Genome position (GRCh38, 1-based): chr6:52,025,392-52,025,396, TGACA deleted on the plus strand (TGTCA on the coding strand, the reverse complement: PKHD1 is on the minus strand). VCF-style (leftmost placement, unchanged base first): chr6-52025391-CTGACA-C. GRCh37 (hg19) VCF-style: chr6-51890189-CTGACA-C.
Other names: c.4414_4418del, p.Cys1472fs (NM_170724.3); short protein forms C1472fs.
Identifiers: ClinVar variation 1726089 (VCV001726089.2), dbSNP rs2532713199, ClinGen allele CA2580075532.

ClinVar aggregate classification (germline): Likely pathogenic (1 of 4 stars; one submission).

Conditions:
Polycystic kidney disease 4 (PKD4). Also called: POLYCYSTIC KIDNEY AND HEPATIC DISEASE 1; POLYCYSTIC KIDNEY DISEASE, INFANTILE, TYPE I; POLYCYSTIC KIDNEY DISEASE 4 WITH OR WITHOUT POLYCYSTIC LIVER DISEASE; PKD3; Autosomal Recessive Polycystic Kidney Disease – PKHD1. Identifiers: MedGen C4540575, MONDO:0033004, OMIM 263200.

Submission:

Myriad Genetics, Inc.
Classification: Likely pathogenic for Polycystic kidney disease 4. Last evaluated: 2022-05-18. Review status: criteria provided, single submitter. Criteria: Myriad Women's Health Autosomal Recessive and X-Linked Classification Criteria (2021). Collection method: clinical testing. Allele origin: unknown.
Comment: NM_138694.3(PKHD1):c.4414_4418del5(C1472Gfs*32) is expected to be pathogenic in the context of autosomal recessive polycystic kidney disease, PKHD1-related. This variant is predicted to lead to an abnormal or absent protein product due to the creation of a premature termination codon in PKHD1, a gene where loss-of-function variants are known to be pathogenic. Please note: this variant was assessed in the context of healthy population screening.